The following is an entry in ClinVar:

NM_000368.5(TSC1):c.2419_2420dup (p.Ala808fs)

Gene: TSC1 (TSC complex subunit 1; minus strand). Cytogenetic location: 9q34.13.
Variant type: Duplication.
Coding change: c.2419_2420dup on transcript NM_000368.5 (MANE Select); coding-DNA positions 2419 to 2420, 2 bases duplicated (AT; older notation c.2419_2420dupAT).
Protein change: p.Ala808fs; shifts the reading frame from alanine 808.
Molecular consequence: frameshift variant. On other transcripts: non-coding transcript variant (5).
Genome position (GRCh38, 1-based): chr9:132,901,671-132,901,672, AT duplicated on the plus strand (AT on the coding strand, the reverse complement: TSC1 is on the minus strand). VCF-style (leftmost placement, unchanged base first): chr9-132901670-A-AAT. GRCh37 (hg19) VCF-style: chr9-135777057-A-AAT.
Other names: c.1366_1367dup, p.Ala457fs (NM_001406630.1, NM_001406629.1); c.2416_2417dup, p.Ala807fs (NM_001162426.2, NM_001406597.1, NM_001406598.1 and 4 more transcripts); c.2266_2267dup, p.Ala757fs (NM_001162427.2, NM_001406610.1); c.2056_2057dup, p.Ala687fs (NM_001362177.2, NM_001406614.1, NM_001406615.1 and 5 more transcripts); c.2419_2420dup, p.Ala808fs (NM_001406592.1, NM_001406593.1, NM_001406594.1 and 5 more transcripts); c.2404_2405dup, p.Ala803fs (NM_001406601.1, NM_001406602.1); c.2401_2402dup, p.Ala802fs (NM_001406603.1, NM_001406604.1); c.2263_2264dup, p.Ala756fs (NM_001406611.1, NM_001406612.1, NM_001406613.1); and 3 more; short protein forms A687fs, A756fs, A457fs, A491fs, A803fs, A808fs, A757fs, A490fs.
Identifiers: ClinVar variation 2817176 (VCV002817176.3), dbSNP rs2538577965, ClinGen allele CA2739264809.
Genomic context (GRCh38, chr9:132,901,670, plus strand): 5'-CAGCAGCTCAGTGTGACACACCTTGTTGTTGGCCTTCTTCAGTTCTATCCGCAGCTCCGC[A>AAT]ATCATGTTCCTGCAGTCCTCCAGCTTCGTCTGCCCAAAGAGACGTGGACATGAAGTTTGA-3'

ClinVar aggregate classification (germline): Pathogenic (1 of 4 stars; one submission).

Conditions:
Tuberous sclerosis 1 (TSC1). Identifiers: Orphanet 805, MedGen C1854465, MONDO:0008612, OMIM 191100.

Submission:

Labcorp Genetics (formerly Invitae), Labcorp
Classification: Pathogenic for Tuberous sclerosis 1. Last evaluated: 2024-06-04. Review status: criteria provided, single submitter. Criteria: Invitae Variant Classification Sherloc (09022015). Collection method: clinical testing. Allele origin: germline.
Comment: This sequence change creates a premature translational stop signal (p.Ala808Leufs*6) in the TSC1 gene. It is expected to result in an absent or disrupted protein product. Loss-of-function variants in TSC1 are known to be pathogenic (PMID: 10227394, 17304050). This variant is not present in population databases (gnomAD no frequency). This variant has not been reported in the literature in individuals affected with TSC1-related conditions. For these reasons, this variant has been classified as Pathogenic.

Literature cited by the submitters: PubMed 10227394; PubMed 17304050.